The following is an entry in ClinVar:

NM_001999.4(FBN2):c.680G>A (p.Gly227Glu)

Gene: FBN2 (fibrillin 2; minus strand). Cytogenetic location: 5q23.3.
Variant type: single nucleotide variant.
Coding change: c.680G>A on transcript NM_001999.4 (MANE Select); coding-DNA position 680, G replaced by A.
Protein change: p.Gly227Glu; replaces glycine 227 with glutamic acid.
Molecular consequence: missense variant.
Genome position (GRCh38, 1-based): chr5:128,464,870, C>T on the plus strand (G>A on the coding strand, the complement: FBN2 is on the minus strand). VCF-style: chr5-128464870-C-T. GRCh37 (hg19) VCF-style: chr5-127800563-C-T.
Other names: short protein forms G227E.
Identifiers: ClinVar variation 903839 (VCV000903839.32), dbSNP rs760247833, ClinGen allele CA3396028.

ClinVar aggregate classification (germline): Conflicting classifications of pathogenicity. Review status: criteria provided, conflicting classifications (1 of 4 stars). 3 submissions from 3 submitters: Uncertain significance (2); Likely benign (1). Last evaluated 2024-03-10.

Conditions:
Congenital contractural arachnodactyly (CCA). Also called: BEALS SYNDROME; Arthrogryposis, distal, type 9; Beals-Hecht syndrome. Identifiers: Orphanet 115, MedGen C0220668, MONDO:0007363, OMIM 121050.

Allele frequency attached by ClinVar (database versions not stated): gnomAD exomes below 0.00001; ExAC 0.00001; gnomAD 0.00001; TOPMed 0.00002.
gnomAD v4.1: 9 of 1,614,230 alleles (0.00056%); highest among the groups gnomAD compares: East Asian, 0.011%; no homozygotes.

Submissions (3):

Labcorp Genetics (formerly Invitae), Labcorp
Classification: Likely benign for Congenital contractural arachnodactyly. Last evaluated: 2024-03-10. Review status: criteria provided, single submitter. Criteria: Invitae Variant Classification Sherloc (09022015). Collection method: clinical testing. Allele origin: germline.

CeGaT Center for Human Genetics Tuebingen
Classification: Uncertain significance. Last evaluated: 2022-09-01. Review status: criteria provided, single submitter. Criteria: CeGaT Center For Human Genetics Tuebingen Variant Classification Criteria Version 2. Collection method: clinical testing. Allele origin: germline. Affected: yes. Observed: 1 variant allele.
Comment: FBN2: PM2:Supporting, PP3

Illumina Laboratory Services, Illumina
Classification: Uncertain significance for Congenital contractural arachnodactyly. Last evaluated: 2018-01-12. Review status: criteria provided, single submitter. Criteria: ICSL Variant Classification Criteria 13 December 2019. Collection method: clinical testing. Allele origin: germline.